The following is an entry in ClinVar:

NM_000548.5(TSC2):c.71C>G (p.Pro24Arg)

Gene: TSC2 (TSC complex subunit 2; plus strand). Cytogenetic location: 16p13.3.
Variant type: single nucleotide variant.
Coding change: c.71C>G on transcript NM_000548.5 (MANE Select); coding-DNA position 71, C replaced by G.
Protein change: p.Pro24Arg; replaces proline 24 with arginine.
Molecular consequence: missense variant. On other transcripts: 5 prime UTR variant (19), non-coding transcript variant (5), intron variant (6).
Genome position (GRCh38, 1-based): chr16:2,048,686, C>G. VCF-style: chr16-2048686-C-G. GRCh37 (hg19) VCF-style: chr16-2098687-C-G.
Other names: c.-1361C>G (NM_001406692.1, NM_001406697.1, NM_001406689.1 and 2 more transcripts); c.-1349C>G (NM_001406696.1); c.-1667C>G (NM_001406693.1); c.71C>G, p.Pro24Arg (NM_021055.3, NM_001077183.3, NM_001114382.3 and 13 more transcripts); c.-1242C>G (NM_001406694.1, NM_001406695.1); c.-1537C>G (NM_001406698.1); c.-156C>G (NM_001318831.2, NM_001406682.1, NM_001406684.1 and 2 more transcripts); c.104C>G, p.Pro35Arg (NM_001318832.2); and 4 more; short protein forms P35R, P24R.
Identifiers: ClinVar variation 2564737 (VCV002564737.3), dbSNP rs868467487, ClinGen allele CA394301212.
Genomic context (GRCh38, chr16:2,048,686, plus strand): 5'-CAACAAGCAAAGATTCAGGCTTGAAGGAGAAGTTTAAGATTCTGTTGGGACTGGGAACAC[C>G]GAGGCCAAATCCCAGGTCTGCAGAGGGTAAACAGACGGAGTTTATCATCACCGCGGAAAT-3'
Protein context (NP_000539.2, residues 14-34): KFKILLGLGT[Pro24Arg]RPNPRSAEGK

ClinVar aggregate classification (germline): Uncertain significance (1 of 4 stars; one submission).

Conditions:
Hereditary cancer-predisposing syndrome. Also called: Neoplastic Syndromes, Hereditary; Hereditary Cancer Syndrome; Hereditary neoplastic syndrome; Tumor predisposition. Identifiers: Orphanet 140162, MedGen C0027672, MeSH D009386, MONDO:0015356.

Submission:

Ambry Genetics
Classification: Uncertain significance for Hereditary cancer-predisposing syndrome. Last evaluated: 2025-10-08. Review status: criteria provided, single submitter. Criteria: Ambry Variant Classification Scheme 2023. Collection method: clinical testing. Allele origin: germline.
Comment: The p.P24R variant (also known as c.71C>G), located in coding exon 1 of the TSC2 gene, results from a C to G substitution at nucleotide position 71. The proline at codon 24 is replaced by arginine, an amino acid with dissimilar properties. This amino acid position is not well conserved in available vertebrate species. In addition, this alteration is predicted to be tolerated by in silico analysis. Based on the available evidence, the clinical significance of this variant remains unclear.